The following is an entry in ClinVar:

NM_007186.6(CEP250):c.6946C>T (p.Arg2316Cys)

Gene: CEP250 (centrosomal protein 250; plus strand). Cytogenetic location: 20q11.22.
Variant type: single nucleotide variant.
Coding change: c.6946C>T on transcript NM_007186.6 (MANE Select); coding-DNA position 6946, C replaced by T.
Protein change: p.Arg2316Cys; replaces arginine 2316 with cysteine.
Molecular consequence: missense variant.
Genome position (GRCh38, 1-based): chr20:35,508,982, C>T. VCF-style: chr20-35508982-C-T. GRCh37 (hg19) VCF-style: chr20-34096811-C-T.
Other names: c.6946C>T (NM_007186.5); c.5050C>T, p.Arg1684Cys (NM_001318219.1); short protein forms R1684C, R2316C.
Identifiers: ClinVar variation 1489228 (VCV001489228.4), dbSNP rs546441918, ClinGen allele CA9834195.

ClinVar aggregate classification (germline): Uncertain significance. Review status: criteria provided, multiple submitters, no conflicts (2 of 4 stars). 2 submissions from 2 submitters: Uncertain significance (2). Last evaluated 2025-10-20.

Conditions:
CEP250-related disorder. Also called: CEP250-related condition.

Allele frequency attached by ClinVar (database versions not stated): gnomAD exomes 0.00002 and 0.00007; ExAC 0.00014; 1000 Genomes Project 30x 0.00016; 1000 Genomes Project 0.00020; TOPMed 0.00002; gnomAD 0.00003.
gnomAD v4.1: 28 of 1,557,936 alleles (0.0018%); highest among the groups gnomAD compares: Admixed American, 0.015%; no homozygotes.

Submissions (2):

PreventionGenetics, part of Exact Sciences
Classification: Uncertain significance for CEP250-related condition. Last evaluated: 2025-10-20. Review status: criteria provided, single submitter. Criteria: ACMG Guidelines, 2015. Collection method: clinical testing. Allele origin: germline.
Comment: The CEP250 c.6946C>T variant is predicted to result in the amino acid substitution p.Arg2316Cys. To our knowledge, this variant has not been reported in the literature. This variant is reported in 0.019% of alleles in individuals of Latino descent in gnomAD. At this time, the clinical significance of this variant is uncertain due to the absence of conclusive functional and genetic evidence.

Labcorp Genetics (formerly Invitae), Labcorp
Classification: Uncertain significance. Last evaluated: 2021-08-24. Review status: criteria provided, single submitter. Criteria: Invitae Variant Classification Sherloc (09022015). Collection method: clinical testing. Allele origin: germline.